The following is an entry in ClinVar:

NM_003235.5(TG):c.2969G>A (p.Ser990Asn)

Gene: TG (thyroglobulin; plus strand). Cytogenetic location: 8q24.22.
Variant type: single nucleotide variant.
Coding change: c.2969G>A on transcript NM_003235.5 (MANE Select); coding-DNA position 2969, G replaced by A.
Protein change: p.Ser990Asn; replaces serine 990 with asparagine.
Molecular consequence: missense variant.
Genome position (GRCh38, 1-based): chr8:132,893,897, G>A. VCF-style: chr8-132893897-G-A. GRCh37 (hg19) VCF-style: chr8-133906142-G-A.
Other names: short protein forms S990N.
Identifiers: ClinVar variation 3251877 (VCV003251877.1), dbSNP rs754082203.

ClinVar aggregate classification (germline): Uncertain significance (1 of 4 stars; one submission).

Allele frequency attached by ClinVar (database versions not stated): ExAC 0.00001; gnomAD exomes 0.00002.
gnomAD v4.1: 12 of 1,614,076 alleles (0.00074%); highest among the groups gnomAD compares: East Asian, 0.027%; no homozygotes.

Submission:

Women's Health and Genetics/Laboratory Corporation of America, LabCorp
Classification: Uncertain significance. Last evaluated: 2024-04-18. Review status: criteria provided, single submitter. Criteria: LabCorp Variant Classification Summary - May 2015. Collection method: clinical testing. Allele origin: germline.
Comment: Variant summary: TG c.2969G>A (p.Ser990Asn) results in a conservative amino acid change in the encoded protein sequence. Four of five in-silico tools predict a benign effect of the variant on protein function. The variant was absent in 251012 control chromosomes. The available data on variant occurrences in the general population are insufficient to allow any conclusion about variant significance. To our knowledge, no occurrence of c.2969G>A in individuals affected with TG-Related Disorders and no experimental evidence demonstrating its impact on protein function have been reported. No submitters have cited clinical-significance assessments for this variant to ClinVar. Based on the evidence outlined above, the variant was classified as uncertain significance.